The following is an entry in ClinVar:

ClinVar aggregate classification (germline): Uncertain significance (1 of 4 stars; one submission).

Conditions:
Familial adenomatous polyposis 2. Also called: COLORECTAL ADENOMATOUS POLYPOSIS, AUTOSOMAL RECESSIVE; ADENOMAS, MULTIPLE COLORECTAL, AUTOSOMAL RECESSIVE; MYH-associated polyposis; MUTYH-associated polyposis; MUTYH-related attenuated familial adenomatous polyposis; MUTYH Polyposis. Identifiers: Orphanet 220460, Orphanet 247798, MedGen C3272841, MONDO:0012041, OMIM 608456.

Allele frequency attached by ClinVar (database versions not stated): ExAC 0.00001; gnomAD 0.00001.
gnomAD v4.1: 7 of 1,614,020 alleles (0.00043%); highest among the groups gnomAD compares: Non-Finnish European, 0.00059%; no homozygotes.

Submission:

All of Us Research Program, National Institutes of Health
Classification: Uncertain significance for Familial adenomatous polyposis 2. Last evaluated: 2023-08-23. Review status: criteria provided, single submitter. Criteria: ACMG Guidelines, 2015. Collection method: clinical testing. Allele origin: germline. Inheritance: Autosomal recessive inheritance. Observed: 1 variant allele, 1 heterozygote.
Comment: This missense variant replaces cysteine with tryptophan at codon 517 of the MUTYH protein. Computational prediction suggests that this variant may not impact protein structure and function (internally defined REVEL score threshold <= 0.5, PMID: 27666373). To our knowledge, functional studies have not been reported for this variant. This variant has not been reported in individuals affected with MUTYH-related disorders in the literature. This variant has not been identified in the general population by the Genome Aggregation Database (gnomAD). The available evidence is insufficient to determine the role of this variant in disease conclusively. Therefore, this variant is classified as a Variant of Uncertain Significance.

This study involves interpretation of variants in research participants for the purpose of population health screening. Participant phenotype was not available at the time of variant classification. Additional details can be found in publication PMID: 35346344, PMCID: PMC8962531

NM_001048174.2(MUTYH):c.1467C>G (p.Cys489Trp)

Gene: MUTYH (mutY DNA glycosylase; minus strand). Cytogenetic location: 1p34.1.
Variant type: single nucleotide variant.
Coding change: c.1467C>G on transcript NM_001048174.2 (MANE Select); coding-DNA position 1467, C replaced by G.
Protein change: p.Cys489Trp; replaces cysteine 489 with tryptophan.
Molecular consequence: missense variant. On other transcripts: non-coding transcript variant (7).
Genome position (GRCh38, 1-based): chr1:45,329,405, G>C on the plus strand (C>G on the coding strand, the complement: MUTYH is on the minus strand). VCF-style: chr1-45329405-G-C. GRCh37 (hg19) VCF-style: chr1-45795077-G-C.
Other names: c.1467C>G, p.Cys489Trp (NM_001048171.2, NM_001048173.2, NM_001293195.2 and 6 more transcripts); c.1470C>G, p.Cys490Trp (NM_001048172.2, NM_001407071.1, NM_001407078.1 and 1 more transcripts); c.1551C>G, p.Cys517Trp (NM_001128425.2); c.1512C>G, p.Cys504Trp (NM_001293190.2); c.1500C>G, p.Cys500Trp (NM_001293191.2, NM_001407069.1, NM_001407077.1); c.1191C>G, p.Cys397Trp (NM_001293192.2, NM_001293196.2, NM_001407091.1); c.1122C>G, p.Cys374Trp (NM_001350650.2, NM_001350651.2, NM_001407082.1); c.1383C>G, p.Cys461Trp (NM_001407075.1); and 5 more; short protein forms C374W, C397W, C461W, C475W, C476W, C489W, C490W, C496W.
Identifiers: ClinVar variation 3073062 (VCV003073062.1), dbSNP rs757781701, ClinGen allele CA056926.
Genomic context (GRCh38, chr1:45,329,405, plus strand): 5'-GATGTGAGACCGAAAGAAATTATCCAGGACTTGCTGGCCCATGCGGGGCTTTTTCCGACT[G>C]CACGGAGAGGACACCTGGGACCTTTTGGAACCCTGTGAAAAAATGGAAGGAGGGAGGCCT-3'
Protein context (NP_001041639.1, residues 479-499): GSKRSQVSSP[Cys489Trp]SRKKPRMGQQ